The following is an entry in ClinVar:

ClinVar aggregate classification (germline): Uncertain significance (1 of 4 stars; one submission).

Submission:

Labcorp Genetics (formerly Invitae), Labcorp
Classification: Uncertain significance. Last evaluated: 2022-10-07. Review status: criteria provided, single submitter. Criteria: Invitae Variant Classification Sherloc (09022015). Collection method: clinical testing. Allele origin: germline.
Comment: In summary, the available evidence is currently insufficient to determine the role of this variant in disease. Therefore, it has been classified as a Variant of Uncertain Significance. Algorithms developed to predict the effect of missense changes on protein structure and function are either unavailable or do not agree on the potential impact of this missense change (SIFT: "Deleterious"; PolyPhen-2: "Possibly Damaging"; Align-GVGD: "Class C0"). This variant has not been reported in the literature in individuals affected with CD46-related conditions. This variant is not present in population databases (gnomAD no frequency). This sequence change replaces serine, which is neutral and polar, with cysteine, which is neutral and slightly polar, at codon 309 of the CD46 protein (p.Ser309Cys).

NM_172351.3(CD46):c.881C>G (p.Ser294Cys)

Gene: CD46 (CD46 molecule; plus strand). Cytogenetic location: 1q32.2.
Variant type: single nucleotide variant.
Coding change: c.881C>G on transcript NM_172351.3 (MANE Select); coding-DNA position 881, C replaced by G.
Protein change: p.Ser294Cys; replaces serine 294 with cysteine.
Molecular consequence: missense variant. On other transcripts: intron variant (5).
Genome position (GRCh38, 1-based): chr1:207,767,803, C>G. VCF-style: chr1-207767803-C-G. GRCh37 (hg19) VCF-style: chr1-207941148-C-G.
Other names: c.926C>G, p.Ser309Cys (NM_002389.4, NM_172359.3); c.881C>G, p.Ser294Cys (NM_153826.4, NM_172355.3, NM_172356.3 and 1 more transcripts); c.856+608C>G (NM_172352.3, NM_172353.3, NM_172350.3 and 2 more transcripts); short protein forms S294C, S309C.
Identifiers: ClinVar variation 1721104 (VCV001721104.5), dbSNP rs111519405, ClinGen allele CA344551337.
Genomic context (GRCh38, chr1:207,767,803, plus strand): 5'-GTTTGGTCCAATCTACATTATTATTTTGTTTTCCAGTGTCGACTTCTTCCACTACAAAAT[C>G]TCCAGCGTCCAGTGCCTCAGGTTTAGTAATTTCCTGCTTATAGTTTTTCAAAAATCCTTT-3'
Protein context (NP_758861.1, residues 284-304): LKVSTSSTTK[Ser294Cys]PASSASGPRP